The following is an entry in ClinVar:

ClinVar aggregate classification (germline): Uncertain significance (1 of 4 stars; one submission).

Submission:

GeneDx
Classification: Uncertain significance. Last evaluated: 2024-12-04. Review status: criteria provided, single submitter. Criteria: GeneDx Variant Classification Process June 2021. Collection method: clinical testing. Allele origin: germline. Affected: yes.
Comment: Not observed at significant frequency in large population cohorts (gnomAD); In silico analysis supports that this missense variant has a deleterious effect on protein structure/function; Has not been previously published as pathogenic or benign to our knowledge

NM_020822.3(KCNT1):c.632C>G (p.Ser211Cys)

Gene: KCNT1 (potassium sodium-activated channel subfamily T member 1; plus strand). Cytogenetic location: 9q34.3.
Variant type: single nucleotide variant.
Coding change: c.632C>G on transcript NM_020822.3 (MANE Select); coding-DNA position 632, C replaced by G.
Protein change: p.Ser211Cys; replaces serine 211 with cysteine.
Molecular consequence: missense variant.
Genome position (GRCh38, 1-based): chr9:135,757,187, C>G. VCF-style: chr9-135757187-C-G. GRCh37 (hg19) VCF-style: chr9-138649033-C-G.
Other names: c.488C>G, p.Ser163Cys (NM_001272003.2); short protein forms S163C, S211C.
Identifiers: ClinVar variation 3901643 (VCV003901643.1).